The following is an entry in ClinVar:

ClinVar aggregate classification (germline): Pathogenic/Likely pathogenic. Review status: criteria provided, multiple submitters, no conflicts (2 of 4 stars). 3 submissions from 3 submitters: Pathogenic (2); Likely pathogenic (1). Last evaluated 2025-07-21.

Conditions:
Nemaline myopathy 2 (NEM2). Also called: Nemaline myopathy 2, autosomal recessive. Identifiers: MedGen C1850569, MONDO:0009725, OMIM 256030.
Nemaline myopathy. Also called: Myopathies, Nemaline. Identifiers: Orphanet 607, MedGen C0206157, MONDO:0018958.

gnomAD v4.1: 5 of 1,613,982 alleles (0.00031%); highest among the groups gnomAD compares: Non-Finnish European, 0.00042%; no homozygotes.

Submissions (3):

Myriad Genetics, Inc.
Classification: Pathogenic for Nemaline myopathy 2. Last evaluated: 2025-07-21. Review status: criteria provided, single submitter. Criteria: Myriad Autosomal Dominant, Autosomal Recessive and X-Linked Classification Criteria (2023). Collection method: clinical testing. Allele origin: unknown.
Comment: NM_001271208.1(NEB):c.4843A>T(K1615*) is expected to be pathogenic in the context of NEB-related nemaline myopathy. This variant is predicted to lead to an abnormal or absent protein product due to the creation of a premature termination codon in NEB, a gene where loss-of-function variants are known to be pathogenic. Please note: this variant was assessed in the context of healthy population screening.

Broad Center for Mendelian Genomics, Broad Institute of MIT and Harvard
Classification: Likely pathogenic for Nemaline myopathy. Last evaluated: 2025-03-18. Review status: criteria provided, single submitter. Criteria: ACMG Guidelines, 2015. Collection method: curation. Allele origin: germline. Inheritance: Autosomal recessive inheritance.
Comment: The p.Lys1615Ter variant in NEB has not been previously reported in the literature in individuals with nemaline myopathy, but has been identified in 0.0004% (5/1179870) in European (non-Finnish) chromosomes by the Genome Aggregation Database (gnomAD; dbSNP ID: rs1237432906). Although this variant has been seen in the general population in a heterozygous state, its frequency is low enough to be consistent with a recessive carrier frequency. This variant has also been reported in ClinVar (Variation ID: 1075448) and has been interpreted as pathogenic by Invitae. This nonsense variant leads to a premature termination codon at position 1615, which is predicted to lead to a truncated or absent protein. Loss of function of the NEB gene is an established disease mechanism in autosomal recessive nemaline myopathy. In summary, although additional studies are required to fully establish its clinical significance, this variant is likely pathogenic for autosomal recessive nemaline myopathy. ACMG/AMP Criteria applied: PVS1, PM2_supporting (Richards 2015).

Labcorp Genetics (formerly Invitae), Labcorp
Classification: Pathogenic for Nemaline myopathy 2. Last evaluated: 2024-02-05. Review status: criteria provided, single submitter. Criteria: Invitae Variant Classification Sherloc (09022015). Collection method: clinical testing. Allele origin: germline.
Comment: This sequence change creates a premature translational stop signal (p.Lys1615*) in the NEB gene. It is expected to result in an absent or disrupted protein product. Loss-of-function variants in NEB are known to be pathogenic (PMID: 25205138). This variant is not present in population databases (gnomAD no frequency). This variant has not been reported in the literature in individuals affected with NEB-related conditions. ClinVar contains an entry for this variant (Variation ID: 1075448). For these reasons, this variant has been classified as Pathogenic.

Literature cited by the submitters: PubMed 25205138 (cited by Labcorp Genetics (formerly Invitae), Labcorp).

NM_001164508.2(NEB):c.4843A>T (p.Lys1615Ter)

Gene: NEB (nebulin; minus strand). Cytogenetic location: 2q23.3.
Variant type: single nucleotide variant.
Coding change: c.4843A>T on transcript NM_001164508.2 (MANE Select); coding-DNA position 4843, A replaced by T.
Protein change: p.Lys1615Ter; replaces lysine 1615 with a stop codon.
Molecular consequence: nonsense.
Genome position (GRCh38, 1-based): chr2:151,666,278, T>A on the plus strand (A>T on the coding strand, the complement: NEB is on the minus strand). VCF-style: chr2-151666278-T-A. GRCh37 (hg19) VCF-style: chr2-152522792-T-A.
Other names: NM_001164508.2(NEB):c.4843A>T; p.Lys1615Ter; c.4843A>T, p.Lys1615Ter (NM_001164507.2, NM_001271208.2, NM_004543.5); short protein forms K1615*.
Identifiers: ClinVar variation 1075448 (VCV001075448.9), dbSNP rs1237432906, ClinGen allele CA348813716.
Genomic context (GRCh38, chr2:151,666,278, plus strand): 5'-TCACACTGACCATATCCAGAGGTGTGTGGTACTTGGTCTTGCTGGCTTCATAGCCCTTTT[T>A]GTACTCACGATCAGACTGGATTTTGGCCACATTCATGTAGTGAACCAGTTTAGGATCATC-3'